The following is an entry in ClinVar:

NM_020884.7(MYH7B):c.320G>A (p.Arg107His)

Gene: MYH7B (myosin heavy chain 7B; plus strand). Cytogenetic location: 20q11.22.
Variant type: single nucleotide variant.
Coding change: c.320G>A on transcript NM_020884.7 (MANE Select); coding-DNA position 320, G replaced by A.
Protein change: p.Arg107His; replaces arginine 107 with histidine.
Molecular consequence: missense variant.
Genome position (GRCh38, 1-based): chr20:34,979,782, G>A. VCF-style: chr20-34979782-G-A. GRCh37 (hg19) VCF-style: chr20-33567585-G-A.
Other names: short protein forms R107H.
Identifiers: ClinVar variation 4691913 (VCV004691913.1).

ClinVar aggregate classification (germline): Uncertain significance (1 of 4 stars; one submission).

gnomAD v4.1: 23 of 1,613,788 alleles (0.0014%); highest among the groups gnomAD compares: African/African-American, 0.0053%; no homozygotes.

Submission:

Labcorp Genetics (formerly Invitae), Labcorp
Classification: Uncertain significance. Last evaluated: 2025-03-04. Review status: criteria provided, single submitter. Criteria: Invitae Variant Classification Sherloc (09022015). Collection method: clinical testing. Allele origin: germline.
Comment: This sequence change replaces arginine, which is basic and polar, with histidine, which is basic and polar, at codon 149 of the MYH7B protein (p.Arg149His). This variant is present in population databases (rs760623727, gnomAD 0.008%). This variant has not been reported in the literature in individuals affected with MYH7B-related conditions. Invitae Evidence Modeling of protein sequence and biophysical properties (such as structural, functional, and spatial information, amino acid conservation, physicochemical variation, residue mobility, and thermodynamic stability) indicates that this missense variant is expected to disrupt MYH7B protein function with a positive predictive value of 80%. In summary, the available evidence is currently insufficient to determine the role of this variant in disease. Therefore, it has been classified as a Variant of Uncertain Significance.